The following is an entry in ClinVar:

NM_001364905.1(LRBA):c.5885C>T (p.Thr1962Ile)

Gene: LRBA (LPS responsive beige-like anchor protein; minus strand). Cytogenetic location: 4q31.3.
Variant type: single nucleotide variant.
Coding change: c.5885C>T on transcript NM_001364905.1 (MANE Select); coding-DNA position 5885, C replaced by T.
Protein change: p.Thr1962Ile; replaces threonine 1962 with isoleucine.
Molecular consequence: missense variant.
Genome position (GRCh38, 1-based): chr4:150,683,587, G>A on the plus strand (C>T on the coding strand, the complement: LRBA is on the minus strand). VCF-style: chr4-150683587-G-A. GRCh37 (hg19) VCF-style: chr4-151604739-G-A.
Other names: c.5885C>T, p.Thr1962Ile (NM_001199282.3, NM_001367550.1, NM_006726.5); short protein forms T1962I.
Identifiers: ClinVar variation 836125 (VCV000836125.7), dbSNP rs1783242709, ClinGen allele CA358610135.

ClinVar aggregate classification (germline): Uncertain significance (1 of 4 stars; one submission).

Conditions:
Combined immunodeficiency due to LRBA deficiency. Also called: Common variable immunodeficiency 8, with autoimmunity. Identifiers: Orphanet 445018, MedGen C3553512, MONDO:0013863, OMIM 614700.

Submission:

Labcorp Genetics (formerly Invitae), Labcorp
Classification: Uncertain significance for Combined immunodeficiency due to LRBA deficiency. Last evaluated: 2022-07-12. Review status: criteria provided, single submitter. Criteria: Invitae Variant Classification Sherloc (09022015). Collection method: clinical testing. Allele origin: germline.
Comment: This sequence change replaces threonine, which is neutral and polar, with isoleucine, which is neutral and non-polar, at codon 1962 of the LRBA protein (p.Thr1962Ile). This variant is not present in population databases (gnomAD no frequency). This variant has not been reported in the literature in individuals affected with LRBA-related conditions. ClinVar contains an entry for this variant (Variation ID: 836125). Algorithms developed to predict the effect of missense changes on protein structure and function (SIFT, PolyPhen-2, Align-GVGD) all suggest that this variant is likely to be tolerated. In summary, the available evidence is currently insufficient to determine the role of this variant in disease. Therefore, it has been classified as a Variant of Uncertain Significance.